The following is an entry in ClinVar:

ClinVar aggregate classification (germline): Uncertain significance. Review status: criteria provided, multiple submitters, no conflicts (2 of 4 stars). 5 submissions from 5 submitters: Uncertain significance (3). 2 of the submissions do not count toward it. Last evaluated 2025-01-22.

Conditions:
RP1L1-related disorder. Also called: RP1L1-related condition.

Allele frequency attached by ClinVar (database versions not stated): ExAC 0.00001; gnomAD 0.00001; TOPMed 0.00001; gnomAD exomes 0.00002.
gnomAD v4.1: 26 of 1,613,598 alleles (0.0016%); highest among the groups gnomAD compares: African/African-American, 0.004%; 1 homozygote.

Submissions (5):

PreventionGenetics, part of Exact Sciences
Classification: Uncertain significance for RP1L1-related condition. Last evaluated: 2025-01-22. Review status: criteria provided, single submitter. Criteria: ACMG Guidelines, 2015. Collection method: clinical testing. Allele origin: germline.
Comment: The RP1L1 c.1030G>T variant is predicted to result in the amino acid substitution p.Gly344Cys. To our knowledge, this variant has not been reported in the literature. This variant is reported in 0.0036% of alleles in individuals of European (Non-Finnish) descent in gnomAD. At this time, the clinical significance of this variant is uncertain due to the absence of conclusive functional and genetic evidence.

Blueprint Genetics
Classification: Uncertain significance. Last evaluated: 2023-02-24. Review status: criteria provided, single submitter. Criteria: ACMG Guidelines, 2015. Collection method: clinical testing. Allele origin: germline.

Breakthrough Genomics
Classification: Uncertain significance. Review status: criteria provided, single submitter. Criteria: ACMG Guidelines, 2015. Collection method: not provided. Allele origin: germline. Inheritance: Autosomal recessive inheritance. Affected: yes.

Clinical Genetics DNA and cytogenetics Diagnostics Lab, Erasmus MC, Erasmus Medical Center
Classification: Uncertain significance. Review status: no assertion criteria provided. Collection method: clinical testing. Allele origin: germline. Affected: yes. Study: VKGL Data-share Consensus. Not counted in ClinVar's aggregate classification.

Joint Genome Diagnostic Labs from Nijmegen and Maastricht, Radboudumc and MUMC+
Classification: Uncertain significance. Review status: no assertion criteria provided. Collection method: clinical testing. Allele origin: germline. Affected: yes. Study: VKGL Data-share Consensus. Not counted in ClinVar's aggregate classification.

NM_178857.6(RP1L1):c.1030G>T (p.Gly344Cys)

Gene: RP1L1 (RP1 like 1). Cytogenetic location: 8p23.1.
Variant type: single nucleotide variant.
Coding change: c.1030G>T on transcript NM_178857.6 (MANE Select); coding-DNA position 1030, G replaced by T.
Protein change: p.Gly344Cys; replaces glycine 344 with cysteine.
Molecular consequence: missense variant.
Genome position (GRCh38, 1-based): chr8:10,613,068, C>A on the plus strand (G>T on the coding strand, the complement: RP1L1 is on the minus strand). VCF-style: chr8-10613068-C-A. GRCh37 (hg19) VCF-style: chr8-10470578-C-A.
Other names: c.1030G>T (NM_178857.5); short protein forms G344C.
Identifiers: ClinVar variation 1297657 (VCV001297657.6), dbSNP rs761779201, ClinGen allele CA4625346.